The following is an entry in ClinVar:

NM_001365536.1(SCN9A):c.796C>A (p.Leu266Met)

Gene: SCN9A (sodium voltage-gated channel alpha subunit 9; minus strand). Cytogenetic location: 2q24.3.
Variant type: single nucleotide variant.
Coding change: c.796C>A on transcript NM_001365536.1 (MANE Select); coding-DNA position 796, C replaced by A.
Protein change: p.Leu266Met; replaces leucine 266 with methionine.
Molecular consequence: missense variant.
Genome position (GRCh38, 1-based): chr2:166,303,195, G>T on the plus strand (C>A on the coding strand, the complement: SCN9A is on the minus strand). VCF-style: chr2-166303195-G-T. GRCh37 (hg19) VCF-style: chr2-167159705-G-T.
Other names: c.796C>A, p.Leu266Met (NM_002977.4); short protein forms L266M.
Identifiers: ClinVar variation 639465 (VCV000639465.9), dbSNP rs201743233, ClinGen allele CA1944657.

ClinVar aggregate classification (germline): Uncertain significance (1 of 4 stars; one submission).

Conditions:
Neuropathy, hereditary sensory and autonomic, type 2A (HSAN2A). Also called: ACROOSTEOLYSIS, GIACCAI TYPE; ACROOSTEOLYSIS, NEUROGENIC; WNK1-Related HSAN2 (HSAN2A); HSAN IIA; MORVAN DISEASE; NEUROPATHY, CONGENITAL SENSORY. Identifiers: Orphanet 970, MedGen C2752089, MONDO:0024309, OMIM 201300.
Generalized epilepsy with febrile seizures plus, type 7 (GEFSP7). Also called: GEFS+, TYPE 7. Identifiers: Orphanet 36387, MedGen C2751778, MONDO:0013470, OMIM 613863.

Allele frequency attached by ClinVar (database versions not stated): gnomAD exomes below 0.00001 and 0.00001; TOPMed below 0.00001; gnomAD 0.00001; ExAC 0.00002.
gnomAD v4.1: 9 of 1,613,484 alleles (0.00056%); highest among the groups gnomAD compares: Middle Eastern, 0.016%; no homozygotes.

Submission:

Labcorp Genetics (formerly Invitae), Labcorp
Classification: Uncertain significance for Neuropathy, hereditary sensory and autonomic, type 2A; Generalized epilepsy with febrile seizures plus, type 7. Last evaluated: 2025-11-03. Review status: criteria provided, single submitter. Criteria: Invitae Variant Classification Sherloc (09022015). Collection method: clinical testing. Allele origin: germline.
Comment: This sequence change replaces leucine, which is neutral and non-polar, with methionine, which is neutral and non-polar, at codon 266 of the SCN9A protein (p.Leu266Met). The frequency data for this variant in the population databases is considered unreliable, as metrics indicate poor data quality at this position in the gnomAD database. This missense change has been observed in individual(s) with generalized epilepsy with febrile seizures plus (PMID: 23895530). ClinVar contains an entry for this variant (Variation ID: 639465). Invitae Evidence Modeling of protein sequence and biophysical properties (such as structural, functional, and spatial information, amino acid conservation, physicochemical variation, residue mobility, and thermodynamic stability) indicates that this missense variant is not expected to disrupt SCN9A protein function with a negative predictive value of 80%. In summary, the available evidence is currently insufficient to determine the role of this variant in disease. Therefore, it has been classified as a Variant of Uncertain Significance.

Literature cited by the submitters: PubMed 23895530.